The following is an entry in ClinVar:

ClinVar aggregate classification (germline): Uncertain significance (1 of 4 stars; one submission).

gnomAD v4.1: 2 of 1,613,530 alleles (0.00012%); highest among the groups gnomAD compares: African/African-American, 0.0027%; no homozygotes.

Submission:

Labcorp Genetics (formerly Invitae), Labcorp
Classification: Uncertain significance. Last evaluated: 2025-11-21. Review status: criteria provided, single submitter. Criteria: Invitae Variant Classification Sherloc (09022015). Collection method: clinical testing. Allele origin: germline.
Comment: This sequence change falls in intron 3 of the RIPK1 gene. It does not directly change the encoded amino acid sequence of the RIPK1 protein. It affects a nucleotide within the consensus splice site. This variant is present in population databases (no rsID available, gnomAD 0.007%). This variant has not been reported in the literature in individuals affected with RIPK1-related conditions. ClinVar contains an entry for this variant (Variation ID: 3667717). Variants that disrupt the consensus splice site are a relatively common cause of aberrant splicing (PMID: 17576681, 9536098). Algorithms developed to predict the effect of sequence changes on RNA splicing suggest that this variant may disrupt the consensus splice site. In summary, the available evidence is currently insufficient to determine the role of this variant in disease. Therefore, it has been classified as a Variant of Uncertain Significance.

Literature cited by the submitters: PubMed 17576681; PubMed 9536098.

NM_001354930.2(RIPK1):c.321+3A>G

Gene: RIPK1 (receptor interacting serine/threonine kinase 1; plus strand). Cytogenetic location: 6p25.2.
Variant type: single nucleotide variant.
Coding change: c.321+3A>G on transcript NM_001354930.2 (MANE Select); 3 bases into the intron after coding-DNA position 321, A replaced by G.
Molecular consequence: intron variant.
Genome position (GRCh38, 1-based): chr6:3,077,938, A>G. VCF-style: chr6-3077938-A-G. GRCh37 (hg19) VCF-style: chr6-3078172-A-G.
Other names: c.-283+3A>G (NM_001317061.3, NM_001354932.2, NM_001354934.2 and 1 more transcripts); c.321+3A>G (NM_003804.6, NM_001354931.2).
Identifiers: ClinVar variation 3667717 (VCV003667717.2).